The following is an entry in ClinVar:

ClinVar aggregate classification (germline): Pathogenic/Likely pathogenic. Review status: criteria provided, multiple submitters, no conflicts (2 of 4 stars). 4 submissions from 4 submitters: Pathogenic (3); Likely pathogenic (1). Last evaluated 2025-12-03.

Conditions:
Hereditary cancer-predisposing syndrome. Also called: Tumor predisposition; Neoplastic Syndromes, Hereditary; Hereditary Cancer Syndrome; Hereditary neoplastic syndrome. Identifiers: Orphanet 140162, MedGen C0027672, MeSH D009386, MONDO:0015356.
Familial adenomatous polyposis 2. Also called: COLORECTAL ADENOMATOUS POLYPOSIS, AUTOSOMAL RECESSIVE; ADENOMAS, MULTIPLE COLORECTAL, AUTOSOMAL RECESSIVE; MYH-associated polyposis; MUTYH Polyposis; Adenomas, multiple colorectal; MUTYH-associated polyposis. Identifiers: Orphanet 220460, Orphanet 247798, MedGen C3272841, MONDO:0012041, OMIM 608456.

Allele frequency attached by ClinVar (database versions not stated): gnomAD exomes below 0.00001.
gnomAD v4.1: 2 of 1,614,170 alleles (0.00012%); highest among the groups gnomAD compares: South Asian, 0.0022%; no homozygotes.

Submissions (4):

Ambry Genetics
Classification: Pathogenic for Hereditary cancer-predisposing syndrome. Last evaluated: 2025-12-03. Review status: criteria provided, single submitter. Criteria: Ambry Variant Classification Scheme 2023. Collection method: clinical testing. Allele origin: germline.
Comment: The p.Q422* pathogenic mutation (also known as c.1264C>T), located in coding exon 13 of the MUTYH gene, results from a C to T substitution at nucleotide position 1264. This changes the amino acid from a glutamine to a stop codon within coding exon 13. This variant is considered to be rare based on population cohorts in the Genome Aggregation Database (gnomAD). This alteration is expected to result in loss of function by premature protein truncation or nonsense-mediated mRNA decay. As such, this alteration is interpreted as a disease-causing mutation.

Clinical Genetics Laboratory, Skane University Hospital Lund
Classification: Pathogenic for Familial adenomatous polyposis 2. Last evaluated: 2025-09-03. Review status: criteria provided, single submitter. Criteria: ACMG Guidelines, 2015. Collection method: clinical testing. Allele origin: germline. Inheritance: Autosomal recessive inheritance. Affected: yes.
Comment: ACMG criteria: PVS1, PM2 and PM3_supporting

Labcorp Genetics (formerly Invitae), Labcorp
Classification: Pathogenic for Familial adenomatous polyposis 2. Last evaluated: 2025-04-24. Review status: criteria provided, single submitter. Criteria: Invitae Variant Classification Sherloc (09022015). Collection method: clinical testing. Allele origin: germline.
Comment: This sequence change creates a premature translational stop signal (p.Gln422*) in the MUTYH gene. It is expected to result in an absent or disrupted protein product. Loss-of-function variants in MUTYH are known to be pathogenic (PMID: 18534194, 20663686). This variant is present in population databases (no rsID available, gnomAD 0.003%). This variant has not been reported in the literature in individuals affected with MUTYH-related conditions. ClinVar contains an entry for this variant (Variation ID: 654529). For these reasons, this variant has been classified as Pathogenic.

All of Us Research Program, National Institutes of Health
Classification: Likely pathogenic for Familial adenomatous polyposis 2. Last evaluated: 2023-08-15. Review status: criteria provided, single submitter. Criteria: ACMG Guidelines, 2015. Collection method: clinical testing. Allele origin: germline. Inheritance: Autosomal recessive inheritance. Observed: 1 variant allele, 1 heterozygote.
Comment: This study involves interpretation of variants in research participants for the purpose of population health screening. Participant phenotype was not available at the time of variant classification. Additional details can be found in publication PMID: 35346344, PMCID: PMC8962531

Literature cited by the submitters: PubMed 18534194 (cited by Labcorp Genetics (formerly Invitae), Labcorp); PubMed 20663686 (cited by Labcorp Genetics (formerly Invitae), Labcorp).

NM_001048174.2(MUTYH):c.1180C>T (p.Gln394Ter)

Gene: MUTYH (mutY DNA glycosylase; minus strand). Cytogenetic location: 1p34.1.
Variant type: single nucleotide variant.
Coding change: c.1180C>T on transcript NM_001048174.2 (MANE Select); coding-DNA position 1180, C replaced by T.
Protein change: p.Gln394Ter; replaces glutamine 394 with a stop codon.
Molecular consequence: nonsense. On other transcripts: non-coding transcript variant (2).
Genome position (GRCh38, 1-based): chr1:45,331,479, G>A on the plus strand (C>T on the coding strand, the complement: MUTYH is on the minus strand). VCF-style: chr1-45331479-G-A. GRCh37 (hg19) VCF-style: chr1-45797151-G-A.
Other names: c.1180C>T, p.Gln394Ter (NM_001048171.2, NM_001048173.2, NM_001293195.2); c.1183C>T, p.Gln395Ter (NM_001048172.2); c.1264C>T, p.Gln422Ter (NM_001128425.2); c.1225C>T, p.Gln409Ter (NM_001293190.2); c.1213C>T, p.Gln405Ter (NM_001293191.2); c.904C>T, p.Gln302Ter (NM_001293192.2, NM_001293196.2); c.835C>T, p.Gln279Ter (NM_001350650.2, NM_001350651.2); c.1255C>T, p.Gln419Ter (NM_012222.3); short protein forms Q419*, Q409*, Q422*, Q302*, Q394*, Q405*, Q279*, Q395*.
Identifiers: ClinVar variation 654529 (VCV000654529.11), dbSNP rs1437789978, ClinGen allele CA340132935.